The following is an entry in ClinVar:

NM_173543.3(DZIP1L):c.1130C>T (p.Ser377Phe)

Gene: DZIP1L (DAZ interacting zinc finger protein 1 like; minus strand). Cytogenetic location: 3q22.3.
Variant type: single nucleotide variant.
Coding change: c.1130C>T on transcript NM_173543.3 (MANE Select); coding-DNA position 1130, C replaced by T.
Protein change: p.Ser377Phe; replaces serine 377 with phenylalanine.
Molecular consequence: missense variant.
Genome position (GRCh38, 1-based): chr3:138,084,186, G>A on the plus strand (C>T on the coding strand, the complement: DZIP1L is on the minus strand). VCF-style: chr3-138084186-G-A. GRCh37 (hg19) VCF-style: chr3-137803028-G-A.
Other names: c.1130C>T, p.Ser377Phe (NM_001170538.1); c.1130C>T (NM_173543.2); short protein forms S377F.
Identifiers: ClinVar variation 1942130 (VCV001942130.6), dbSNP rs767539998, ClinGen allele CA2635028.

ClinVar aggregate classification (germline): Uncertain significance. Review status: criteria provided, multiple submitters, no conflicts (2 of 4 stars). 2 submissions from 2 submitters: Uncertain significance (2). Last evaluated 2025-04-04.

Conditions:
Inborn genetic diseases. Identifiers: MedGen C0950123, MeSH D030342.

Allele frequency attached by ClinVar (database versions not stated): gnomAD exomes below 0.00001; ExAC 0.00001; gnomAD 0.00002.
gnomAD v4.1: 5 of 1,614,082 alleles (0.00031%); highest among the groups gnomAD compares: Admixed American, 0.0033%; no homozygotes.

Submissions (2):

Ambry Genetics
Classification: Uncertain significance for Inborn genetic diseases. Last evaluated: 2025-04-04. Review status: criteria provided, single submitter. Criteria: Ambry Variant Classification Scheme 2023. Collection method: clinical testing. Allele origin: germline.

Labcorp Genetics (formerly Invitae), Labcorp
Classification: Uncertain significance. Last evaluated: 2022-05-05. Review status: criteria provided, single submitter. Criteria: Invitae Variant Classification Sherloc (09022015). Collection method: clinical testing. Allele origin: germline.
Comment: This sequence change replaces serine, which is neutral and polar, with phenylalanine, which is neutral and non-polar, at codon 377 of the DZIP1L protein (p.Ser377Phe). This variant is not present in population databases (gnomAD no frequency). This variant has not been reported in the literature in individuals affected with DZIP1L-related conditions. In summary, the available evidence is currently insufficient to determine the role of this variant in disease. Therefore, it has been classified as a Variant of Uncertain Significance. Algorithms developed to predict the effect of missense changes on protein structure and function output the following: SIFT: "Deleterious"; PolyPhen-2: "Benign"; Align-GVGD: "Class C15". The phenylalanine amino acid residue is found in multiple mammalian species, which suggests that this missense change does not adversely affect protein function.